The following is an entry in ClinVar:

NM_014994.3(MAPKBP1):c.2362G>A (p.Glu788Lys)

Gene: MAPKBP1 (mitogen-activated protein kinase binding protein 1; plus strand). Cytogenetic location: 15q15.1.
Variant type: single nucleotide variant.
Coding change: c.2362G>A on transcript NM_014994.3 (MANE Select); coding-DNA position 2362, G replaced by A.
Protein change: p.Glu788Lys; replaces glutamic acid 788 with lysine.
Molecular consequence: missense variant. On other transcripts: non-coding transcript variant (2).
Genome position (GRCh38, 1-based): chr15:41,819,316, G>A. VCF-style: chr15-41819316-G-A. GRCh37 (hg19) VCF-style: chr15-42111514-G-A.
Other names: p.Glu794Lys; c.2380G>A, p.Glu794Lys (NM_001128608.2); c.2362G>A, p.Glu788Lys (NM_001265611.2); short protein forms E788K, E794K.
Identifiers: ClinVar variation 1434746 (VCV001434746.6), dbSNP rs201725344, ClinGen allele CA7498147.
Genomic context (GRCh38, chr15:41,819,316, plus strand): 5'-CCATCAATGCTGTCTCCTGGACCGGCTCTCTCATCAGACAGTGACAAGGAGGGAGAAGAT[G>A]AGGGGACTGAAGAAGAACTTCCAGCACTGCCCGTCCTTGCCAAGAGTACCAAGAAGGCAC-3'
Protein context (NP_055809.2, residues 778-798): SSDSDKEGED[Glu788Lys]GTEEELPALP

ClinVar aggregate classification (germline): Conflicting classifications of pathogenicity. Review status: criteria provided, conflicting classifications (1 of 4 stars). 3 submissions from 3 submitters: Uncertain significance (2); Likely benign (1). Last evaluated 2025-02-16.

Allele frequency attached by ClinVar (database versions not stated): ESP Exome Variant Server 0.00015; TOPMed 0.00034; gnomAD exomes 0.00040 and 0.00052; gnomAD 0.00042 and 0.00043; ExAC 0.00044.
gnomAD v4.1: 639 of 1,614,098 alleles (0.04%); highest among the groups gnomAD compares: Non-Finnish European, 0.046%; 2 homozygotes.

Submissions (3):

Laboratory of Genetics, Children's Clinical University Hospital Latvia
Classification: Likely benign. Last evaluated: 2025-02-16. Review status: criteria provided, single submitter. Criteria: ACMG Guidelines, 2015. Collection method: clinical testing. Allele origin: germline. Affected: yes.

Labcorp Genetics (formerly Invitae), Labcorp
Classification: Uncertain significance. Last evaluated: 2024-01-22. Review status: criteria provided, single submitter. Criteria: Invitae Variant Classification Sherloc (09022015). Collection method: clinical testing. Allele origin: germline.
Comment: This sequence change replaces glutamic acid, which is acidic and polar, with lysine, which is basic and polar, at codon 794 of the MAPKBP1 protein (p.Glu794Lys). This variant is present in population databases (rs201725344, gnomAD 0.1%), and has an allele count higher than expected for a pathogenic variant. This variant has not been reported in the literature in individuals affected with MAPKBP1-related conditions. ClinVar contains an entry for this variant (Variation ID: 1434746). An algorithm developed to predict the effect of missense changes on protein structure and function (PolyPhen-2) suggests that this variant is likely to be disruptive. In summary, the available evidence is currently insufficient to determine the role of this variant in disease. Therefore, it has been classified as a Variant of Uncertain Significance.

Mayo Clinic Laboratories, Mayo Clinic
Classification: Uncertain significance. Last evaluated: 2023-06-07. Review status: criteria provided, single submitter. Criteria: ACMG Guidelines, 2015. Collection method: clinical testing. Allele origin: germline. Observed: 3 variant alleles.
Comment: BP4